The following is an entry in ClinVar:

ClinVar aggregate classification (germline): Uncertain significance (1 of 4 stars; one submission).

gnomAD v4.1: 1 of 1,612,322 alleles (0.000062%); highest among the groups gnomAD compares: Non-Finnish European, 0.000085%; no homozygotes.

Submission:

Ambry Genetics
Classification: Uncertain significance. Last evaluated: 2022-05-31. Review status: criteria provided, single submitter. Criteria: Ambry Variant Classification Scheme 2023. Collection method: clinical testing. Allele origin: germline.
Comment: The p.R179S variant (also known as c.537G>C), located in coding exon 4 of the POLQ gene, results from a G to C substitution at nucleotide position 537. The arginine at codon 179 is replaced by serine, an amino acid with dissimilar properties. This amino acid position is conserved. In addition, this alteration is predicted to be tolerated by in silico analysis. Since supporting evidence is limited at this time, the clinical significance of this alteration remains unclear.

NM_199420.4(POLQ):c.537G>C (p.Arg179Ser)

Gene: POLQ (DNA polymerase theta; minus strand). Cytogenetic location: 3q13.33.
Variant type: single nucleotide variant.
Coding change: c.537G>C on transcript NM_199420.4 (MANE Select); coding-DNA position 537, G replaced by C.
Protein change: p.Arg179Ser; replaces arginine 179 with serine.
Molecular consequence: missense variant.
Genome position (GRCh38, 1-based): chr3:121,539,527, C>G on the plus strand (G>C on the coding strand, the complement: POLQ is on the minus strand). VCF-style: chr3-121539527-C-G. GRCh37 (hg19) VCF-style: chr3-121258374-C-G.
Other names: short protein forms R179S.
Identifiers: ClinVar variation 1747159 (VCV001747159.2), dbSNP rs558534411, ClinGen allele CA354091195.